The following is an entry in ClinVar:

NM_001048174.2(MUTYH):c.386C>T (p.Pro129Leu)

Gene: MUTYH (mutY DNA glycosylase; minus strand). Cytogenetic location: 1p34.1.
Variant type: single nucleotide variant.
Coding change: c.386C>T on transcript NM_001048174.2 (MANE Select); coding-DNA position 386, C replaced by T.
Protein change: p.Pro129Leu; replaces proline 129 with leucine.
Molecular consequence: missense variant. On other transcripts: non-coding transcript variant (2).
Genome position (GRCh38, 1-based): chr1:45,332,952, G>A on the plus strand (C>T on the coding strand, the complement: MUTYH is on the minus strand). VCF-style: chr1-45332952-G-A. GRCh37 (hg19) VCF-style: chr1-45798624-G-A.
Other names: c.386C>T, p.Pro129Leu (NM_001048171.2, NM_001048173.2, NM_001293195.2); c.389C>T, p.Pro130Leu (NM_001048172.2); c.470C>T, p.Pro157Leu (NM_001128425.2); c.431C>T, p.Pro144Leu (NM_001293190.2); c.419C>T, p.Pro140Leu (NM_001293191.2); c.110C>T, p.Pro37Leu (NM_001293192.2, NM_001293196.2); c.41C>T, p.Pro14Leu (NM_001350650.2, NM_001350651.2); c.461C>T, p.Pro154Leu (NM_012222.3); short protein forms P157L, P144L, P154L, P130L, P129L, P140L, P37L, P14L.
Identifiers: ClinVar variation 185653 (VCV000185653.33), dbSNP rs777184451, ClinGen allele CA013620.

ClinVar aggregate classification (germline): Pathogenic/Likely pathogenic. Review status: criteria provided, multiple submitters, no conflicts (2 of 4 stars). 8 submissions from 8 submitters: Pathogenic (2); Likely pathogenic (5). 1 of the submissions does not count toward it. Last evaluated 2026-02-03.

Conditions:
Hereditary cancer-predisposing syndrome. Also called: Neoplastic Syndromes, Hereditary; Tumor predisposition; Hereditary Cancer Syndrome; Hereditary neoplastic syndrome. Identifiers: Orphanet 140162, MedGen C0027672, MeSH D009386, MONDO:0015356.
Familial adenomatous polyposis 2. Also called: Adenomas, multiple colorectal; COLORECTAL ADENOMATOUS POLYPOSIS, AUTOSOMAL RECESSIVE; ADENOMAS, MULTIPLE COLORECTAL, AUTOSOMAL RECESSIVE; MYH-associated polyposis; MUTYH Polyposis; FAP type 2. Identifiers: Orphanet 220460, Orphanet 247798, MedGen C3272841, MONDO:0012041, OMIM 608456.

Allele frequency attached by ClinVar (database versions not stated): gnomAD exomes below 0.00001 and 0.00001; TOPMed below 0.00001; ExAC 0.00001; gnomAD 0.00001.
gnomAD v4.1: 24 of 1,613,974 alleles (0.0015%); highest among the groups gnomAD compares: Non-Finnish European, 0.0017%; no homozygotes.

Submissions (8):

Labcorp Genetics (formerly Invitae), Labcorp
Classification: Pathogenic for Familial adenomatous polyposis 2. Last evaluated: 2026-02-03. Review status: criteria provided, single submitter. Criteria: Invitae Variant Classification Sherloc (09022015). Collection method: clinical testing. Allele origin: germline.
Comment: This sequence change replaces proline, which is neutral and non-polar, with leucine, which is neutral and non-polar, at codon 157 of the MUTYH protein (p.Pro157Leu). This variant is present in population databases (rs777184451, gnomAD 0.007%). This missense change has been observed in individual(s) with MUTYH-related disease (PMID: 19394335, 27829682; internal data). In at least one individual the data is consistent with being in trans (on the opposite chromosome) from a pathogenic variant. This variant is also known as c.428C>T (p.Pro143Leu). ClinVar contains an entry for this variant (Variation ID: 185653). An algorithm developed to predict the effect of missense changes on protein structure and function (PolyPhen-2) suggests that this variant is likely to be disruptive. Experimental studies have shown that this missense change affects MUTYH function (PMID: 25820570). For these reasons, this variant has been classified as Pathogenic.

Ambry Genetics
Classification: Pathogenic for Hereditary cancer-predisposing syndrome. Last evaluated: 2025-12-09. Review status: criteria provided, single submitter. Criteria: Ambry Variant Classification Scheme 2023. Collection method: clinical testing. Allele origin: germline.
Comment: The p.P157L variant (also known as c.470C>T), located in coding exon 6 of the MUTYH gene, results from a C to T substitution at nucleotide position 470. The proline at codon 157 is replaced by leucine, an amino acid with similar properties. This variant has been identified in the homozygous state and/or in conjunction with other MUTYH variant(s) in individual(s) with features consistent with MUTYH-associated polyposis (Aretz S et al. Int. J. Cancer 2006 Aug;119(4):807-14; Vogt S et al. Gastroenterology 2009 Dec;137(6):1976-85.e1-10; Ricci MT et al. J. Hum. Genet. 2017 Feb;62(2):309-315; Ambry internal data). In a massively parallel cell-based functional assay testing 7,8-dihydro-8-oxoguanine:adenine (8OG:A) repair activity, a byproduct of oxidative damage, this variant was reported to have intermediate function (Hemker SL et al. Am J Hum Genet. 2025 Sep;112(9):2010-2026). This amino acid position is highly conserved in available vertebrate species. In addition, this alteration is predicted to be deleterious by in silico analysis. This variant is considered to be rare based on population cohorts in the Genome Aggregation Database (gnomAD). Based on the supporting evidence, this variant is interpreted as a disease-causing mutation.

Color Diagnostics, LLC DBA Color Health
Classification: Likely pathogenic for Hereditary cancer-predisposing syndrome. Last evaluated: 2025-07-25. Review status: criteria provided, single submitter. Criteria: ACMG Guidelines, 2015. Collection method: clinical testing. Allele origin: germline.
Comment: This missense variant replaces proline with leucine at codon 157 of the MUTYH protein. This variant is also known as c.428C>T (p.Pro143Leu) based on an alternative transcript (NM_001048171). Computational prediction suggests that this variant may have deleterious impact on protein structure and function. A functional study has shown that this variant causes a partial loss of MUTYH protein function in vitro (PMID: 25820570). This variant has been reported in at least two biallelic individuals (PMID: 16557584, 19032956 19732775, 27829682) and a homozygous individual affected with multiple adenomatous polyposis and/or colorectal cancer (PMID: 19394335). This variant has been identified in 2/281716 chromosomes in the general population by the Genome Aggregation Database (gnomAD). Based on the available evidence, this variant is classified as Likely Pathogenic.

GeneDx
Classification: Likely pathogenic. Last evaluated: 2024-05-08. Review status: criteria provided, single submitter. Criteria: GeneDx Variant Classification Process June 2021. Collection method: clinical testing. Allele origin: germline. Affected: yes.
Comment: Published functional studies demonstrate partially defective BER activity in a complementation assay, with normal protein expression and subcellular localization similar to wild type (PMID: 25820570); Not observed at significant frequency in large population cohorts (gnomAD); In silico analysis supports that this missense variant has a deleterious effect on protein structure/function; Also known as c.428G>A; This variant is associated with the following publications: (PMID: 19032956, 25525159, 19732775, 27829682, 19725997, 16557584, 19394335, 25820570)

Laboratory for Molecular Medicine, Mass General Brigham Personalized Medicine
Classification: Likely pathogenic for Familial adenomatous polyposis 2. Last evaluated: 2024-03-22. Review status: criteria provided, single submitter. Criteria: ACMG Guidelines, 2015. Collection method: clinical testing. Allele origin: germline. Inheritance: Autosomal recessive inheritance.
Comment: proposed classification - variant undergoing re-assessment, contact laboratory

Baylor Genetics
Classification: Likely pathogenic for Familial adenomatous polyposis 2. Last evaluated: 2024-02-16. Review status: criteria provided, single submitter. Criteria: ACMG Guidelines, 2015. Collection method: clinical testing. Allele origin: unknown.

Revvity Omics, Revvity
Classification: Likely pathogenic for Familial adenomatous polyposis 2. Last evaluated: 2019-01-09. Review status: criteria provided, single submitter. Criteria: ACMG Guidelines, 2015. Collection method: clinical testing. Allele origin: germline.

Department of Pathology and Laboratory Medicine, Sinai Health System
Classification: Likely pathogenic. Review status: no assertion criteria provided. Collection method: clinical testing. Allele origin: unknown. Affected: yes. Study: The Canadian Open Genetics Repository (COGR). Not counted in ClinVar's aggregate classification.

Literature cited by the submitters: PubMed 19394335 (cited by 3 submitters); PubMed 27829682 (cited by 4 submitters); PubMed 25820570 (cited by 4 submitters); PubMed 16557584 (cited by 3 submitters); PubMed 19032956 (cited by Ambry Genetics and Color Diagnostics, LLC DBA Color Health); PubMed 19732775 (cited by 3 submitters); PubMed 25525159 (cited by Laboratory for Molecular Medicine, Mass General Brigham Personalized Medicine).